The following is an entry in ClinVar:

ClinVar aggregate classification (germline): Uncertain significance (1 of 4 stars; one submission).

Conditions:
Autosomal recessive ataxia, Beauce type. Also called: SYNE1-Related Autosomal Recessive Cerebellar Ataxia; SYNE1 Deficiency; Spinocerebellar ataxia, autosomal recessive 8; ATAXIA, RECESSIVE, OF BEAUCE. Identifiers: Orphanet 88644, MedGen C1853116, MONDO:0012549, OMIM 610743.
Emery-Dreifuss muscular dystrophy 4, autosomal dominant (EDMD4). Also called: EMERY-DREIFUSS MUSCULAR DYSTROPHY 4 WITH VARIABLE FEATURES. Identifiers: Orphanet 261, MedGen C2751807, MONDO:0013071, OMIM 612998.

gnomAD v4.1: 3 of 1,608,352 alleles (0.00019%); highest among the groups gnomAD compares: South Asian, 0.0033%; no homozygotes.

Submission:

Labcorp Genetics (formerly Invitae), Labcorp
Classification: Uncertain significance for Emery-Dreifuss muscular dystrophy 4, autosomal dominant; Autosomal recessive ataxia, Beauce type. Last evaluated: 2020-11-17. Review status: criteria provided, single submitter. Criteria: Invitae Variant Classification Sherloc (09022015). Collection method: clinical testing. Allele origin: germline.
Comment: This sequence change falls in intron 10 of the SYNE1 gene. It does not directly change the encoded amino acid sequence of the SYNE1 protein. It affects a nucleotide within the consensus splice site of the intron. In summary, the available evidence is currently insufficient to determine the role of this variant in disease. Therefore, it has been classified as a Variant of Uncertain Significance. Nucleotide substitutions within the consensus splice site are a relatively common cause of aberrant splicing (PMID: 17576681, 9536098). Algorithms developed to predict the effect of sequence changes on RNA splicing suggest that this variant may create or strengthen a splice site, but this prediction has not been confirmed by published transcriptional studies. This variant has not been reported in the literature in individuals with SYNE1-related conditions. This variant is not present in population databases (ExAC no frequency).

Literature cited by the submitters: PubMed 17576681; PubMed 9536098.

NM_182961.4(SYNE1):c.888+4G>A

Gene: SYNE1 (spectrin repeat containing nuclear envelope protein 1; minus strand). Cytogenetic location: 6q25.2.
Variant type: single nucleotide variant.
Coding change: c.888+4G>A on transcript NM_182961.4 (MANE Select); 4 bases into the intron after coding-DNA position 888, G replaced by A.
Molecular consequence: intron variant.
Genome position (GRCh38, 1-based): chr6:152,502,629, C>T on the plus strand (G>A on the coding strand, the complement: SYNE1 is on the minus strand). VCF-style: chr6-152502629-C-T. GRCh37 (hg19) VCF-style: chr6-152823764-C-T.
Other names: c.909+4G>A (NM_033071.5).
Identifiers: ClinVar variation 1348679 (VCV001348679.4), dbSNP rs749258298, ClinGen allele CA2573140642.